The following is an entry in ClinVar:

NM_001458.5(FLNC):c.4363G>A (p.Ala1455Thr)

Gene: FLNC (filamin C; plus strand). Cytogenetic location: 7q32.1.
Variant type: single nucleotide variant.
Coding change: c.4363G>A on transcript NM_001458.5 (MANE Select); coding-DNA position 4363, G replaced by A.
Protein change: p.Ala1455Thr; replaces alanine 1455 with threonine.
Molecular consequence: missense variant.
Genome position (GRCh38, 1-based): chr7:128,847,771, G>A. VCF-style: chr7-128847771-G-A. GRCh37 (hg19) VCF-style: chr7-128487825-G-A.
Other names: c.4363G>A, p.Ala1455Thr (NM_001127487.2); short protein forms A1455T.
Identifiers: ClinVar variation 1740032 (VCV001740032.2), dbSNP rs2536645874, ClinGen allele CA369201350.

ClinVar aggregate classification (germline): Uncertain significance (1 of 4 stars; one submission).

Conditions:
Cardiovascular phenotype. Identifiers: MedGen CN230736.

gnomAD v4.1: 1 of 1,614,108 alleles (0.000062%); highest among the groups gnomAD compares: Non-Finnish European, 0.000085%; no homozygotes.

Submission:

Ambry Genetics
Classification: Uncertain significance for Cardiovascular phenotype. Last evaluated: 2021-10-26. Review status: criteria provided, single submitter. Criteria: Ambry Variant Classification Scheme 2023. Collection method: clinical testing. Allele origin: germline.
Comment: The p.A1455T variant (also known as c.4363G>A), located in coding exon 25 of the FLNC gene, results from a G to A substitution at nucleotide position 4363. The alanine at codon 1455 is replaced by threonine, an amino acid with similar properties. This amino acid position is conserved. In addition, this alteration is predicted to be tolerated by in silico analysis. Since supporting evidence is limited at this time, the clinical significance of this alteration remains unclear.